The following is an entry in ClinVar:

NM_138927.4(SON):c.4401A>G (p.Ile1467Met)

Gene: SON (SON DNA and RNA binding protein; plus strand). Cytogenetic location: 21q22.11.
Variant type: single nucleotide variant.
Coding change: c.4401A>G on transcript NM_138927.4 (MANE Select); coding-DNA position 4401, A replaced by G.
Protein change: p.Ile1467Met; replaces isoleucine 1467 with methionine.
Molecular consequence: missense variant. On other transcripts: non-coding transcript variant (1), intron variant (1).
Genome position (GRCh38, 1-based): chr21:33,553,632, A>G. VCF-style: chr21-33553632-A-G. GRCh37 (hg19) VCF-style: chr21-34925938-A-G.
Other names: c.4401A>G, p.Ile1467Met (NM_001291411.2, NM_032195.3); c.245-3524A>G (NM_001291412.3); short protein forms I1467M.
Identifiers: ClinVar variation 3615167 (VCV003615167.2).

ClinVar aggregate classification (germline): Uncertain significance (1 of 4 stars; one submission).

gnomAD v4.1: 16 of 1,613,876 alleles (0.00099%); highest among the groups gnomAD compares: South Asian, 0.016%; no homozygotes.

Submission:

Labcorp Genetics (formerly Invitae), Labcorp
Classification: Uncertain significance. Last evaluated: 2024-09-12. Review status: criteria provided, single submitter. Criteria: Invitae Variant Classification Sherloc (09022015). Collection method: clinical testing. Allele origin: germline.
Comment: This sequence change replaces isoleucine, which is neutral and non-polar, with methionine, which is neutral and non-polar, at codon 1467 of the SON protein (p.Ile1467Met). This variant is present in population databases (rs779186339, gnomAD 0.01%). This variant has not been reported in the literature in individuals affected with SON-related conditions. An algorithm developed to predict the effect of missense changes on protein structure and function (PolyPhen-2) suggests that this variant is likely to be tolerated. In summary, the available evidence is currently insufficient to determine the role of this variant in disease. Therefore, it has been classified as a Variant of Uncertain Significance.